The following is an entry in ClinVar:

NM_032608.7(MYO18B):c.3966A>G (p.Ala1322=)

Gene: MYO18B (myosin XVIIIB; plus strand). Cytogenetic location: 22q12.1.
Variant type: single nucleotide variant.
Coding change: c.3966A>G on transcript NM_032608.7 (MANE Select); coding-DNA position 3966, A replaced by G.
Protein change: p.Ala1322=; no amino-acid change (alanine 1322 retained).
Molecular consequence: synonymous variant.
Genome position (GRCh38, 1-based): chr22:25,874,300, A>G. VCF-style: chr22-25874300-A-G. GRCh37 (hg19) VCF-style: chr22-26270267-A-G.
Other names: c.3969A>G, p.Ala1323= (NM_001318245.2).
Identifiers: ClinVar variation 1558847 (VCV001558847.16), dbSNP rs372309790, ClinGen allele CA10160717.

ClinVar aggregate classification (germline): Likely benign. Review status: criteria provided, multiple submitters, no conflicts (2 of 4 stars). 3 submissions from 3 submitters: Likely benign (3). Last evaluated 2026-01-24.

Allele frequency attached by ClinVar (database versions not stated): ExAC 0.00015; gnomAD exomes 0.00016 and 0.00027; gnomAD 0.00024 and 0.00025; TOPMed 0.00025; ESP Exome Variant Server 0.00050.
gnomAD v4.1: 430 of 1,613,756 alleles (0.027%); highest among the groups gnomAD compares: Non-Finnish European, 0.034%; no homozygotes.

Submissions (3):

Labcorp Genetics (formerly Invitae), Labcorp
Classification: Likely benign. Last evaluated: 2026-01-24. Review status: criteria provided, single submitter. Criteria: Invitae Variant Classification Sherloc (09022015). Collection method: clinical testing. Allele origin: germline.

CeGaT Center for Human Genetics Tuebingen
Classification: Likely benign. Last evaluated: 2025-04-01. Review status: criteria provided, single submitter. Criteria: CeGaT Center For Human Genetics Tuebingen Variant Classification Criteria Version 2. Collection method: clinical testing. Allele origin: germline. Affected: yes. Observed: 1 variant allele.
Comment: MYO18B: BP4, BP7

Blueprint Genetics
Classification: Likely benign. Last evaluated: 2024-08-28. Review status: criteria provided, single submitter. Criteria: ACMG Guidelines, 2015. Collection method: clinical testing. Allele origin: germline.